The following is an entry in ClinVar:

ClinVar aggregate classification (germline): Conflicting classifications of pathogenicity. Review status: criteria provided, conflicting classifications (1 of 4 stars). 2 submissions from 2 submitters: Likely risk allele (1); Uncertain significance (1). Last evaluated 2018-07-05.

Conditions:
Wolfram syndrome 1 (WFS1). Identifiers: Orphanet 3463, MedGen C4551693, MONDO:0009101, OMIM 222300.

gnomAD v4.1: 35 of 1,604,636 alleles (0.0022%); highest among the groups gnomAD compares: Non-Finnish European, 0.0026%; no homozygotes.

Submissions (2):

Blueprint Genetics
Classification: Uncertain significance. Last evaluated: 2018-07-05. Review status: criteria provided, single submitter. Criteria: ACMG Guidelines, 2015. Collection method: clinical testing. Allele origin: germline.

Clinical Genomics, Uppaluri K&H Personalized Medicine Clinic
Classification: Likely risk allele for Wolfram syndrome 1. Review status: criteria provided, single submitter. Criteria: K & H Uppaluri Personalized Medicine Clinic Variant Classification & Assertion Criteria_Updated V.1. Collection method: research. Allele origin: unknown. Inheritance: Autosomal recessive inheritance.
Comment: Potent mutations in WFS1 gene are associated with Wolfram's syndrome, an autosomal recessive condition, which cause diabetes mellitus, diabetes insipidus, deafness and optic atrophy. However no sufficient evidence is found to ascertain the role of this particular variant rs764842865 in Wolfram's syndrome yet.

Literature cited by the submitters: PubMed 20738327 (cited by Clinical Genomics, Uppaluri K&H Personalized Medicine Clinic); PubMed 33879153 (cited by Clinical Genomics, Uppaluri K&H Personalized Medicine Clinic); PubMed 12955714 (cited by Clinical Genomics, Uppaluri K&H Personalized Medicine Clinic); PubMed 18060660 (cited by Clinical Genomics, Uppaluri K&H Personalized Medicine Clinic); PubMed 20301750 (cited by Clinical Genomics, Uppaluri K&H Personalized Medicine Clinic); PubMed 17603484 (cited by Clinical Genomics, Uppaluri K&H Personalized Medicine Clinic).

NM_006005.3(WFS1):c.2459G>T (p.Gly820Val)

Gene: WFS1 (wolframin ER transmembrane glycoprotein; plus strand). Cytogenetic location: 4p16.1.
Variant type: single nucleotide variant.
Coding change: c.2459G>T on transcript NM_006005.3 (MANE Select); coding-DNA position 2459, G replaced by T.
Protein change: p.Gly820Val; replaces glycine 820 with valine.
Molecular consequence: missense variant.
Genome position (GRCh38, 1-based): chr4:6,302,254, G>T. VCF-style: chr4-6302254-G-T. GRCh37 (hg19) VCF-style: chr4-6303981-G-T.
Other names: c.2459G>T, p.Gly820Val (NM_001145853.1); short protein forms G820V.
Identifiers: ClinVar variation 2442242 (VCV002442242.2), dbSNP rs764842865, ClinGen allele CA2839746.
Genomic context (GRCh38, chr4:6,302,254, plus strand): 5'-AGGACATCGTGCTGCGGGCCAGCAGCGAGTTCAAGAGCGTGCTGCTCAGCCTGCGCCAGG[G>T]CAGCCTCATCGAGTTCAGCACCATCCTGGAGGGCCGCCTGGGCAGCAAGTGGCCTGTCTT-3'
Protein context (NP_005996.2, residues 810-830): FKSVLLSLRQ[Gly820Val]SLIEFSTILE